The following is an entry in ClinVar:

ClinVar aggregate classification (germline): Uncertain significance (1 of 4 stars; one submission).

Conditions:
Cardiovascular phenotype. Identifiers: MedGen CN230736.

Submission:

Ambry Genetics
Classification: Uncertain significance for Cardiovascular phenotype. Last evaluated: 2025-08-28. Review status: criteria provided, single submitter. Criteria: Ambry Variant Classification Scheme 2023. Collection method: clinical testing. Allele origin: germline.
Comment: The p.I40N variant (also known as c.119T>A), located in coding exon 1 of the ABCC9 gene, results from a T to A substitution at nucleotide position 119. The isoleucine at codon 40 is replaced by asparagine, an amino acid with dissimilar properties. This amino acid position is highly conserved in available vertebrate species. In addition, this alteration is predicted to be deleterious by in silico analysis. Based on the available evidence, the clinical significance of this variant remains unclear.

NM_020297.4(ABCC9):c.119T>A (p.Ile40Asn)

Gene: ABCC9 (ATP binding cassette subfamily C member 9; minus strand). Cytogenetic location: 12p12.1.
Variant type: single nucleotide variant.
Coding change: c.119T>A on transcript NM_020297.4 (MANE Select); coding-DNA position 119, T replaced by A.
Protein change: p.Ile40Asn; replaces isoleucine 40 with asparagine.
Molecular consequence: missense variant. On other transcripts: 5 prime UTR variant (1).
Genome position (GRCh38, 1-based): chr12:21,936,556, A>T on the plus strand (T>A on the coding strand, the complement: ABCC9 is on the minus strand). VCF-style: chr12-21936556-A-T. GRCh37 (hg19) VCF-style: chr12-22089490-A-T.
Other names: c.119T>A, p.Ile40Asn (NM_001377273.1, NM_005691.4); c.-336T>A (NM_001377274.1); short protein forms I40N.
Identifiers: ClinVar variation 4135448 (VCV004135448.1).